The following is an entry in ClinVar:

NM_000038.6(APC):c.2949del (p.Ile983fs)

Gene: APC (APC regulator of Wnt signaling pathway; plus strand). Cytogenetic location: 5q22.2.
Variant type: Deletion.
Coding change: c.2949del on transcript NM_000038.6 (MANE Select); coding-DNA position 2949, one base deleted (T; older notation c.2949delT).
Protein change: p.Ile983fs; shifts the reading frame from isoleucine 983.
Molecular consequence: frameshift variant. On other transcripts: non-coding transcript variant (2).
Genome position (GRCh38, 1-based): chr5:112,838,543, T deleted; the last of 2 consecutive T bases (chr5:112,838,542-112,838,543); deleting either gives the same sequence. VCF-style (leftmost placement, unchanged base first): chr5-112838541-AT-A. GRCh37 (hg19) VCF-style: chr5-112174238-AT-A.
Other names: c.2949del, p.Ile983fs (NM_001127510.3, NM_001354895.2, NM_001407450.1); c.2895del, p.Ile965fs (NM_001127511.3); c.3003del, p.Ile1001fs (NM_001354896.2, NM_001407447.1, NM_001407448.1 and 1 more transcripts); c.2979del, p.Ile993fs (NM_001354897.2); c.2874del, p.Ile958fs (NM_001354898.2); c.2865del, p.Ile955fs (NM_001354899.2); c.2826del, p.Ile942fs (NM_001354900.2); c.2772del, p.Ile924fs (NM_001354901.2, NM_001407453.1); and 11 more; short protein forms I958fs, I965fs, I976fs, I983fs, I700fs, I823fs, I854fs, I882fs.
Identifiers: ClinVar variation 4827303 (VCV004827303.1).

ClinVar aggregate classification (germline): Pathogenic (1 of 4 stars; one submission).

Conditions:
Hereditary cancer-predisposing syndrome. Also called: Neoplastic Syndromes, Hereditary; Tumor predisposition; Hereditary Cancer Syndrome; Hereditary neoplastic syndrome. Identifiers: Orphanet 140162, MedGen C0027672, MeSH D009386, MONDO:0015356.

Submission:

Ambry Genetics
Classification: Pathogenic for Hereditary cancer-predisposing syndrome. Last evaluated: 2026-03-10. Review status: criteria provided, single submitter. Criteria: Ambry Variant Classification Scheme 2023. Collection method: clinical testing. Allele origin: germline.
Comment: The c.2949delT pathogenic mutation, located in coding exon 15 of the APC gene, results from a deletion of one nucleotide at nucleotide position 2949, causing a translational frameshift with a predicted alternate stop codon (p.I983Mfs*22). This variant was reported in individual(s) with features consistent with APC-related familial adenomatous polyposis (Ambry internal data). This variant is considered to be rare based on population cohorts in the Genome Aggregation Database (gnomAD). This alteration is expected to result in loss of function by premature protein truncation or nonsense-mediated mRNA decay. As such, this alteration is interpreted as a disease-causing mutation.